The following is an entry in ClinVar:

NM_001378454.1(ALMS1):c.10771del (p.Thr3591fs)

Gene: ALMS1 (ALMS1 centrosome and basal body associated protein; plus strand). Cytogenetic location: 2p13.1.
Variant type: Deletion.
Coding change: c.10771del on transcript NM_001378454.1 (MANE Select); coding-DNA position 10771, one base deleted (A; older notation c.10771delA).
Protein change: p.Thr3591fs; shifts the reading frame from threonine 3591.
Molecular consequence: frameshift variant.
Genome position (GRCh38, 1-based): chr2:73,572,648, A deleted; the last of 3 consecutive A bases (chr2:73,572,646-73,572,648); deleting any one gives the same sequence. VCF-style (leftmost placement, unchanged base first): chr2-73572645-CA-C. GRCh37 (hg19) VCF-style: chr2-73799772-CA-C.
Other names: c.10772del (NM_015120.4); c.10774del, p.Thr3592fs (NM_015120.4); short protein forms T3591fs, T3592fs.
Identifiers: ClinVar variation 1297106 (VCV001297106.8), dbSNP rs2104105073, ClinGen allele CA2499216272.

ClinVar aggregate classification (germline): Pathogenic. Review status: criteria provided, multiple submitters, no conflicts (2 of 4 stars). 2 submissions from 2 submitters: Pathogenic (2). Last evaluated 2025-12-01.

Conditions:
Retinitis pigmentosa (RP). Identifiers: Orphanet 791, MedGen C0035334, MeSH D012174, MONDO:0019200, OMIM 268000. Inheritance: Autosomal dominant, autosomal recessive and X linked inheritance.

Submissions (2):

CeGaT Center for Human Genetics Tuebingen
Classification: Pathogenic. Last evaluated: 2025-12-01. Review status: criteria provided, single submitter. Criteria: CeGaT Center For Human Genetics Tuebingen Variant Classification Criteria Version 2. Collection method: clinical testing. Allele origin: germline. Affected: yes. Observed: 3 variant alleles.
Comment: ALMS1: PVS1, PM2, PM3:Supporting

Broad Center for Mendelian Genomics, Broad Institute of MIT and Harvard
Classification: Pathogenic for Retinitis pigmentosa. Last evaluated: 2021-04-01. Review status: criteria provided, single submitter. Criteria: ACMG Guidelines, 2015. Collection method: curation. Allele origin: germline. Inheritance: Autosomal recessive inheritance. Affected: yes.
Comment: Through a review of available evidence we were able to apply the following criteria: . Based on this evidence we have classified this variant as Pathogenic. If you have any questions about the classification please reach out to the Pierce Lab.

Literature cited by the submitters: PubMed 34906470 (cited by Broad Center for Mendelian Genomics, Broad Institute of MIT and Harvard).